The following is an entry in ClinVar:

ClinVar aggregate classification (germline): Likely benign (0 of 4 stars; one submission).

Conditions:
GNAS-related disorder. Identifiers: MedGen CN380105.

gnomAD v4.1: 1 of 1,613,538 alleles (0.000062%); highest among the groups gnomAD compares: Admixed American, 0.0017%; no homozygotes.

Submission:

PreventionGenetics, part of Exact Sciences
Classification: Likely benign for GNAS-related condition. Last evaluated: 2021-10-19. Review status: no assertion criteria provided. Collection method: clinical testing. Allele origin: germline.
Comment: This variant is classified as likely benign based on ACMG/AMP sequence variant interpretation guidelines (Richards et al. 2015 PMID: 25741868, with internal and published modifications).

NM_016592.5(GNAS):c.315A>G (p.Glu105=)

Genes: GNAS (GNAS complex locus; plus strand), GNAS-AS1 (GNAS antisense RNA 1; minus strand). Cytogenetic location: 20q13.32.
Variant type: single nucleotide variant.
Coding change: c.315A>G on transcript NM_016592.5 (MANE Plus Clinical); coding-DNA position 315, A replaced by G.
Protein change: p.Glu105=; no amino-acid change (glutamic acid 105 retained).
Molecular consequence: synonymous variant. On other transcripts: 5 prime UTR variant (1).
Genome position (GRCh38, 1-based): chr20:58,840,421, A>G. VCF-style: chr20-58840421-A-G. GRCh37 (hg19) VCF-style: chr20-57415476-A-G.
Other names: c.-423A>G (NM_001410912.1).
Identifiers: ClinVar variation 3357012 (VCV003357012.1).